The following is an entry in ClinVar:

ClinVar aggregate classification (germline): Uncertain significance (1 of 4 stars; one submission).

gnomAD v4.1: 29 of 1,614,050 alleles (0.0018%); highest among the groups gnomAD compares: East Asian, 0.0045%; no homozygotes.

Submission:

Labcorp Genetics (formerly Invitae), Labcorp
Classification: Uncertain significance. Last evaluated: 2025-09-02. Review status: criteria provided, single submitter. Criteria: Invitae Variant Classification Sherloc (09022015). Collection method: clinical testing. Allele origin: germline.
Comment: This sequence change replaces valine, which is neutral and non-polar, with methionine, which is neutral and non-polar, at codon 201 of the DSCAML1 protein (p.Val201Met). This variant is present in population databases (rs774393882, gnomAD 0.02%). This missense change has been observed in individual(s) with autism spectrum disorder (PMID: 33501714). ClinVar contains an entry for this variant (Variation ID: 3608598). An algorithm developed to predict the effect of missense changes on protein structure and function outputs the following: PolyPhen-2: "Possibly Damaging". The methionine amino acid residue is found in multiple mammalian species, which suggests that this missense change does not adversely affect protein function. In summary, the available evidence is currently insufficient to determine the role of this variant in disease. Therefore, it has been classified as a Variant of Uncertain Significance.

Literature cited by the submitters: PubMed 33501714.

NM_020693.4(DSCAML1):c.421G>A (p.Val141Met)

Gene: DSCAML1 (DS cell adhesion molecule like 1; minus strand). Cytogenetic location: 11q23.3.
Variant type: single nucleotide variant.
Coding change: c.421G>A on transcript NM_020693.4 (MANE Select); coding-DNA position 421, G replaced by A.
Protein change: p.Val141Met; replaces valine 141 with methionine.
Molecular consequence: missense variant.
Genome position (GRCh38, 1-based): chr11:117,776,881, C>T on the plus strand (G>A on the coding strand, the complement: DSCAML1 is on the minus strand). VCF-style: chr11-117776881-C-T. GRCh37 (hg19) VCF-style: chr11-117647596-C-T.
Other names: c.421G>A, p.Val141Met (NM_001367904.1); c.13G>A, p.Val5Met (NM_001367905.1); short protein forms V141M, V5M.
Identifiers: ClinVar variation 3608598 (VCV003608598.2).
Genomic context (GRCh38, chr11:117,776,881, plus strand): 5'-AAGATACAACGCTAACATATTCCTGCACTGAAGAGGGGATGAGGCACTTGAAGACGGCCA[C>T]GTTGCCACGCATTGACCTTTGATCCTCCACCCGGACGGTGTAGGGTTCCCTGAAAACTGC-3'
Protein context (NP_065744.3, residues 131-151): VEDQRSMRGN[Val141Met]AVFKCLIPSS